The following is an entry in ClinVar:

NM_001172509.2(SATB2):c.1307A>T (p.Glu436Val)

Gene: SATB2 (SATB homeobox 2; minus strand). Cytogenetic location: 2q33.1.
Variant type: single nucleotide variant.
Coding change: c.1307A>T on transcript NM_001172509.2 (MANE Select); coding-DNA position 1307, A replaced by T.
Protein change: p.Glu436Val; replaces glutamic acid 436 with valine.
Molecular consequence: missense variant.
Genome position (GRCh38, 1-based): chr2:199,328,777, T>A on the plus strand (A>T on the coding strand, the complement: SATB2 is on the minus strand). VCF-style: chr2-199328777-T-A. GRCh37 (hg19) VCF-style: chr2-200193500-T-A.
Other names: c.1307A>T, p.Glu436Val (NM_001172517.1, NM_015265.4); short protein forms E436V.
Identifiers: ClinVar variation 1032668 (VCV001032668.1), dbSNP rs1688103803, ClinGen allele CA350386299.

ClinVar aggregate classification (germline): Likely pathogenic (1 of 4 stars; one submission).

Conditions:
Chromosome 2q32-q33 deletion syndrome (GLASS). Also called: Glass syndrome; 2q33.1 deletion syndrome. Identifiers: Orphanet 251019, MedGen C2676739, MONDO:0012864, OMIM 612313.

Submission:

Baylor Genetics
Classification: Likely pathogenic for Chromosome 2q32-q33 deletion syndrome. Last evaluated: 2018-12-14. Review status: criteria provided, single submitter. Criteria: ACMG Guidelines, 2015. Collection method: clinical testing. Allele origin: de novo. Affected: yes.
Comment: This variant was determined to be likely pathogenic according to ACMG Guidelines, 2015 [PMID:25741868].